The following is an entry in ClinVar:

ClinVar aggregate classification (germline): Conflicting classifications of pathogenicity. Review status: criteria provided, conflicting classifications (1 of 4 stars). 4 submissions from 4 submitters: Uncertain significance (1); Likely benign (3). Last evaluated 2026-01-15.

Conditions:
Spermatogenic failure 28. Identifiers: MedGen C4748117, MONDO:0054732, OMIM 618086.
Premature ovarian failure 15. Identifiers: MedGen C4748170, MONDO:0054862, OMIM 618096.
Fanconi anemia (FA). Also called: Fanconi's anemia. Identifiers: Orphanet 84, MedGen C0015625, MeSH D005199, MONDO:0019391.
Inborn genetic diseases. Identifiers: MedGen C0950123, MeSH D030342.

Allele frequency attached by ClinVar (database versions not stated): gnomAD 0.00001 and 0.00003; gnomAD exomes 0.00001 and 0.00002; TOPMed 0.00002; ExAC 0.00003; 1000 Genomes Project 0.00040; 1000 Genomes Project 30x 0.00062.
gnomAD v4.1: 19 of 1,608,884 alleles (0.0012%); highest among the groups gnomAD compares: Admixed American, 0.03%; no homozygotes.

Submissions (4):

Labcorp Genetics (formerly Invitae), Labcorp
Classification: Likely benign for Fanconi anemia. Last evaluated: 2026-01-15. Review status: criteria provided, single submitter. Criteria: Invitae Variant Classification Sherloc (09022015). Collection method: clinical testing. Allele origin: germline.

Quest Diagnostics Nichols Institute San Juan Capistrano
Classification: Uncertain significance. Last evaluated: 2025-07-24. Review status: criteria provided, single submitter. Criteria: Quest Diagnostics criteria. Collection method: clinical testing. Allele origin: unknown.
Comment: The FANCM c.3837A>G (p.Ala1279=) synonymous variant has not been reported in individuals with FANCM-related conditions in the published literature. The frequency of this variant in the general population (Genome Aggregation Database) is uninformative in the assessment of its pathogenicity. Analysis of this variant using software algorithms for the prediction of the effect of nucleotide changes on splicing yielded predictions that this variant does not affect FANCM mRNA splicing. Based on the available information, we are unable to determine the clinical significance of this variant.

Ambry Genetics
Classification: Likely benign for Inborn genetic diseases. Last evaluated: 2024-10-17. Review status: criteria provided, single submitter. Criteria: Ambry Variant Classification Scheme 2023. Collection method: clinical testing. Allele origin: germline.

Fulgent Genetics
Classification: Likely benign for Spermatogenic failure 28; Premature ovarian failure 15. Last evaluated: 2021-12-01. Review status: criteria provided, single submitter. Criteria: ACMG Guidelines, 2015. Collection method: clinical testing. Allele origin: unknown.

NM_020937.4(FANCM):c.3837A>G (p.Ala1279=)

Gene: FANCM (FA complementation group M; plus strand). Cytogenetic location: 14q21.2.
Variant type: single nucleotide variant.
Coding change: c.3837A>G on transcript NM_020937.4 (MANE Select); coding-DNA position 3837, A replaced by G.
Protein change: p.Ala1279=; no amino-acid change (alanine 1279 retained).
Molecular consequence: synonymous variant.
Genome position (GRCh38, 1-based): chr14:45,176,591, A>G. VCF-style: chr14-45176591-A-G. GRCh37 (hg19) VCF-style: chr14-45645794-A-G.
Other names: c.3837A>G (NM_020937.3); c.3759A>G, p.Ala1253= (NM_001308133.2).
Identifiers: ClinVar variation 699202 (VCV000699202.12), dbSNP rs188061266, ClinGen allele CA7169583.